The following is an entry in ClinVar:

ClinVar aggregate classification (germline): Uncertain significance. Review status: criteria provided, multiple submitters, no conflicts (2 of 4 stars). 3 submissions from 3 submitters: Uncertain significance (3). Last evaluated 2026-06-24.

Conditions:
Hereditary cancer-predisposing syndrome. Also called: Neoplastic Syndromes, Hereditary; Hereditary Cancer Syndrome; Tumor predisposition; Hereditary neoplastic syndrome. Identifiers: Orphanet 140162, MedGen C0027672, MeSH D009386, MONDO:0015356.
Tuberous sclerosis 2 (TSC2). Identifiers: Orphanet 805, MedGen C1860707, MONDO:0013199, OMIM 613254.
Tuberous sclerosis syndrome (TSC). Also called: Tuberous Sclerosis Complex; Tuberous sclerosis. Identifiers: Orphanet 805, MedGen C0041341, MONDO:0001734.

Allele frequency attached by ClinVar (database versions not stated): TOPMed below 0.00001.

Submissions (3):

Ambry Genetics
Classification: Uncertain significance for Hereditary cancer-predisposing syndrome. Last evaluated: 2026-06-24. Review status: criteria provided, single submitter. Criteria: Ambry Variant Classification Scheme 2023. Collection method: clinical testing. Allele origin: germline.

Labcorp Genetics (formerly Invitae), Labcorp
Classification: Uncertain significance for Tuberous sclerosis 2. Last evaluated: 2025-03-16. Review status: criteria provided, single submitter. Criteria: Invitae Variant Classification Sherloc (09022015). Collection method: clinical testing. Allele origin: germline.
Comment: This sequence change replaces methionine, which is neutral and non-polar, with leucine, which is neutral and non-polar, at codon 168 of the TSC2 protein (p.Met168Leu). This variant is not present in population databases (gnomAD no frequency). This variant has not been reported in the literature in individuals affected with TSC2-related conditions. ClinVar contains an entry for this variant (Variation ID: 961978). Invitae Evidence Modeling of protein sequence and biophysical properties (such as structural, functional, and spatial information, amino acid conservation, physicochemical variation, residue mobility, and thermodynamic stability) indicates that this missense variant is not expected to disrupt TSC2 protein function with a negative predictive value of 95%. In summary, the available evidence is currently insufficient to determine the role of this variant in disease. Therefore, it has been classified as a Variant of Uncertain Significance.

All of Us Research Program, National Institutes of Health
Classification: Uncertain significance for Tuberous sclerosis syndrome. Last evaluated: 2023-06-28. Review status: criteria provided, single submitter. Criteria: ACMG Guidelines, 2015. Collection method: clinical testing. Allele origin: germline. Inheritance: Autosomal dominant inheritance. Observed: 1 variant allele, 1 heterozygote.
Comment: This missense variant replaces methionine with leucine at codon 168 of the TSC2 protein. Computational prediction suggests that this variant may not impact protein structure and function (internally defined REVEL score threshold <= 0.5, PMID: 27666373). To our knowledge, functional studies have not been reported for this variant. This variant has not been reported in individuals affected with tuberous sclerosis complex in the literature. This variant has not been identified in the general population by the Genome Aggregation Database (gnomAD). The available evidence is insufficient to determine the role of this variant in disease conclusively. Therefore, this variant is classified as a Variant of Uncertain Significance.

This study involves interpretation of variants in research participants for the purpose of population health screening. Participant phenotype was not available at the time of variant classification. Additional details can be found in publication PMID: 35346344, PMCID: PMC8962531

NM_000548.5(TSC2):c.502A>C (p.Met168Leu)

Gene: TSC2 (TSC complex subunit 2; plus strand). Cytogenetic location: 16p13.3.
Variant type: single nucleotide variant.
Coding change: c.502A>C on transcript NM_000548.5 (MANE Select); coding-DNA position 502, A replaced by C.
Protein change: p.Met168Leu; replaces methionine 168 with leucine.
Molecular consequence: missense variant. On other transcripts: intron variant (1).
Genome position (GRCh38, 1-based): chr16:2,055,422, A>C. VCF-style: chr16-2055422-A-C. GRCh37 (hg19) VCF-style: chr16-2105423-A-C.
Other names: c.502A>C, p.Met168Leu (NM_001077183.3, NM_001114382.3, NM_001363528.2 and 3 more transcripts); c.391A>C, p.Met131Leu (NM_001318827.2); c.355A>C, p.Met119Leu (NM_001318829.2); c.535A>C, p.Met179Leu (NM_001318832.2); c.-1-774A>C (NM_001318831.2); short protein forms M119L, M131L, M168L, M179L.
Identifiers: ClinVar variation 961978 (VCV000961978.13), dbSNP rs779566253, ClinGen allele CA394309161.